The following is an entry in ClinVar:

NM_194292.3(SASS6):c.560A>G (p.Glu187Gly)

Gene: SASS6 (SAS-6 centriolar assembly protein; minus strand). Cytogenetic location: 1p21.2.
Variant type: single nucleotide variant.
Coding change: c.560A>G on transcript NM_194292.3 (MANE Select); coding-DNA position 560, A replaced by G.
Protein change: p.Glu187Gly; replaces glutamic acid 187 with glycine.
Molecular consequence: missense variant.
Genome position (GRCh38, 1-based): chr1:100,119,127, T>C on the plus strand (A>G on the coding strand, the complement: SASS6 is on the minus strand). VCF-style: chr1-100119127-T-C. GRCh37 (hg19) VCF-style: chr1-100584683-T-C.
Other names: c.59A>G, p.Glu20Gly (NM_001304829.2); short protein forms E20G, E187G.
Identifiers: ClinVar variation 2358844 (VCV002358844.26), dbSNP rs144132362, ClinGen allele CA968482.

ClinVar aggregate classification (germline): Likely benign. Review status: criteria provided, multiple submitters, no conflicts (2 of 4 stars). 2 submissions from 2 submitters: Likely benign (2). Last evaluated 2025-11-01.

Conditions:
Inborn genetic diseases. Identifiers: MedGen C0950123, MeSH D030342.

Allele frequency attached by ClinVar (database versions not stated): TOPMed 0.00006; ESP Exome Variant Server 0.00008; gnomAD 0.00019; gnomAD exomes 0.00030; 1000 Genomes Project 30x 0.00062; 1000 Genomes Project 0.00080; ExAC 0.00080.
gnomAD v4.1: 462 of 1,554,720 alleles (0.03%); highest among the groups gnomAD compares: South Asian, 0.48%; 8 homozygotes.

Submissions (2):

CeGaT Center for Human Genetics Tuebingen
Classification: Likely benign. Last evaluated: 2025-11-01. Review status: criteria provided, single submitter. Criteria: CeGaT Center For Human Genetics Tuebingen Variant Classification Criteria Version 2. Collection method: clinical testing. Allele origin: germline. Affected: yes. Observed: 2 variant alleles.
Comment: SASS6: BS2

Ambry Genetics
Classification: Likely benign for Inborn genetic diseases. Last evaluated: 2022-07-20. Review status: criteria provided, single submitter. Criteria: Ambry Variant Classification Scheme 2023. Collection method: clinical testing. Allele origin: germline.